The following is an entry in ClinVar:

ClinVar aggregate classification (germline): Likely pathogenic (1 of 4 stars; one submission).

Conditions:
Familial adenomatous polyposis 2. Also called: MYH-associated polyposis; FAP type 2; ADENOMAS, MULTIPLE COLORECTAL, AUTOSOMAL RECESSIVE; MUTYH Polyposis; MUTYH-associated polyposis; MUTYH-related attenuated familial adenomatous polyposis. Identifiers: Orphanet 220460, Orphanet 247798, MedGen C3272841, MONDO:0012041, OMIM 608456.

Submission:

Labcorp Genetics (formerly Invitae), Labcorp
Classification: Likely pathogenic for Familial adenomatous polyposis 2. Last evaluated: 2015-03-03. Review status: criteria provided, single submitter. Criteria: Invitae Variant Classification Sherloc (09022015). Collection method: clinical testing. Allele origin: germline.
Comment: This sequence change affects a a donor splice site in intron 6. It is expected to disrupt mRNA splicing and likely results in an absent or disrupted protein product. While this particular variant has not been reported in the literature, truncating variants in MUTYH are known to be pathogenic (PMID: 20663686, 18534194). For these reasons, this variant has been classified as Likely Pathogenic.

Literature cited by the submitters: PubMed 20663686; PubMed 18534194.

NM_001048174.2(MUTYH):c.420+2T>G

Gene: MUTYH (mutY DNA glycosylase; minus strand). Cytogenetic location: 1p34.1.
Variant type: single nucleotide variant.
Coding change: c.420+2T>G on transcript NM_001048174.2 (MANE Select); the canonical splice donor site of the intron after coding-DNA position 420, T replaced by G.
Molecular consequence: splice donor variant. On other transcripts: intron variant (4).
Genome position (GRCh38, 1-based): chr1:45,332,916, A>C on the plus strand (T>G on the coding strand, the complement: MUTYH is on the minus strand). VCF-style: chr1-45332916-A-C. GRCh37 (hg19) VCF-style: chr1-45798588-A-C.
Other names: c.420+2T>G (NM_001407072.1, NM_001048171.2, NM_001407070.1 and 5 more transcripts); c.75+2T>G (NM_001350651.2, NM_001350650.2, NM_001407082.1); c.144+2T>G (NM_001293192.2, NM_001293196.2, NM_001407091.1); c.421-82T>G (NM_001407073.1); c.465+2T>G (NM_001293190.2); c.454-82T>G (NM_001407069.1); c.495+2T>G (NM_012222.3); c.504+2T>G (NM_001128425.2); and 7 more.
Identifiers: ClinVar variation 215995 (VCV000215995.9), dbSNP rs587782730, ClinGen allele CA336154.